The following is an entry in ClinVar:

NM_172364.5(CACNA2D4):c.3033C>A (p.Cys1011Ter)

Gene: CACNA2D4 (calcium voltage-gated channel auxiliary subunit alpha2delta 4; minus strand). Cytogenetic location: 12p13.33.
Variant type: single nucleotide variant.
Coding change: c.3033C>A on transcript NM_172364.5 (MANE Select); coding-DNA position 3033, C replaced by A.
Protein change: p.Cys1011Ter; replaces cysteine 1011 with a stop codon.
Molecular consequence: nonsense.
Genome position (GRCh38, 1-based): chr12:1,797,498, G>T on the plus strand (C>A on the coding strand, the complement: CACNA2D4 is on the minus strand). VCF-style: chr12-1797498-G-T. GRCh37 (hg19) VCF-style: chr12-1906664-G-T.
Other names: short protein forms C1011*.
Identifiers: ClinVar variation 1484550 (VCV001484550.6), dbSNP rs768460488, ClinGen allele CA6386085.

ClinVar aggregate classification (germline): Uncertain significance (1 of 4 stars; one submission).

Allele frequency attached by ClinVar (database versions not stated): gnomAD 0.00001; gnomAD exomes 0.00002; ExAC 0.00006.
gnomAD v4.1: 23 of 1,582,146 alleles (0.0015%); highest among the groups gnomAD compares: South Asian, 0.025%; no homozygotes.

Submission:

Labcorp Genetics (formerly Invitae), Labcorp
Classification: Uncertain significance. Last evaluated: 2025-06-12. Review status: criteria provided, single submitter. Criteria: Invitae Variant Classification Sherloc (09022015). Collection method: clinical testing. Allele origin: germline.
Comment: This sequence change creates a premature translational stop signal (p.Cys1011*) in the CACNA2D4 gene. It is expected to result in an absent or disrupted protein product. However, the current clinical and genetic evidence is not sufficient to establish whether loss-of-function variants in CACNA2D4 cause disease. The frequency data for this variant in the population databases is considered unreliable, as metrics indicate poor data quality at this position in the gnomAD database. This variant has not been reported in the literature in individuals affected with CACNA2D4-related conditions. ClinVar contains an entry for this variant (Variation ID: 1484550). In summary, the available evidence is currently insufficient to determine the role of this variant in disease. Therefore, it has been classified as a Variant of Uncertain Significance.